The following is an entry in ClinVar:

NM_024570.4(RNASEH2B):c.822+5G>A

Gene: RNASEH2B (ribonuclease H2 subunit B; plus strand). Cytogenetic location: 13q14.3.
Variant type: single nucleotide variant.
Coding change: c.822+5G>A on transcript NM_024570.4 (MANE Select); 5 bases into the intron after coding-DNA position 822, G replaced by A.
Molecular consequence: intron variant.
Genome position (GRCh38, 1-based): chr13:50,953,990, G>A. VCF-style: chr13-50953990-G-A. GRCh37 (hg19) VCF-style: chr13-51528126-G-A.
Other names: c.741+4485G>A (NM_001142279.2).
Identifiers: ClinVar variation 641233 (VCV000641233.6), dbSNP rs761333168, ClinGen allele CA249999020.

ClinVar aggregate classification (germline): Uncertain significance. Review status: criteria provided, multiple submitters, no conflicts (2 of 4 stars). 2 submissions from 2 submitters: Uncertain significance (2). Last evaluated 2025-11-03.

Conditions:
Aicardi-Goutieres syndrome 2. Identifiers: Orphanet 51, MedGen C3489724, MONDO:0012429, OMIM 610181.

Allele frequency attached by ClinVar (database versions not stated): gnomAD exomes below 0.00001 and 0.00001; gnomAD 0.00001; TOPMed 0.00003.

Submissions (2):

Labcorp Genetics (formerly Invitae), Labcorp
Classification: Uncertain significance for Aicardi-Goutieres syndrome 2. Last evaluated: 2025-11-03. Review status: criteria provided, single submitter. Criteria: Invitae Variant Classification Sherloc (09022015). Collection method: clinical testing. Allele origin: germline.
Comment: This sequence change falls in intron 10 of the RNASEH2B gene. It does not directly change the encoded amino acid sequence of the RNASEH2B protein. It affects a nucleotide within the consensus splice site. This variant is present in population databases (rs761333168, gnomAD 0.0009%). This variant has not been reported in the literature in individuals affected with RNASEH2B-related conditions. ClinVar contains an entry for this variant (Variation ID: 641233). Variants that disrupt the consensus splice site are a relatively common cause of aberrant splicing (PMID: 17576681, 9536098). Algorithms developed to predict the effect of sequence changes on RNA splicing suggest that this variant may disrupt the consensus splice site. In summary, the available evidence is currently insufficient to determine the role of this variant in disease. Therefore, it has been classified as a Variant of Uncertain Significance.

Women's Health and Genetics/Laboratory Corporation of America, LabCorp
Classification: Uncertain significance. Last evaluated: 2024-12-20. Review status: criteria provided, single submitter. Criteria: LabCorp Variant Classification Summary - May 2015. Collection method: clinical testing. Allele origin: germline.

Literature cited by the submitters: PubMed 17576681 (cited by Labcorp Genetics (formerly Invitae), Labcorp); PubMed 9536098 (cited by Labcorp Genetics (formerly Invitae), Labcorp).